The following is an entry in ClinVar:

NM_002894.3(RBBP8):c.598G>A (p.Ala200Thr)

Gene: RBBP8 (RB binding protein 8, endonuclease; plus strand). Cytogenetic location: 18q11.2.
Variant type: single nucleotide variant.
Coding change: c.598G>A on transcript NM_002894.3 (MANE Select); coding-DNA position 598, G replaced by A.
Protein change: p.Ala200Thr; replaces alanine 200 with threonine.
Molecular consequence: missense variant.
Genome position (GRCh38, 1-based): chr18:22,982,387, G>A. VCF-style: chr18-22982387-G-A. GRCh37 (hg19) VCF-style: chr18-20562350-G-A.
Other names: c.598G>A, p.Ala200Thr (NM_203291.2, NM_203292.2); short protein forms A200T.
Identifiers: ClinVar variation 1471013 (VCV001471013.6), dbSNP rs1914995789, ClinGen allele CA401774092.

ClinVar aggregate classification (germline): Uncertain significance (1 of 4 stars; one submission).

Allele frequency attached by ClinVar (database versions not stated): gnomAD exomes below 0.00001; TOPMed 0.00001.
gnomAD v4.1: 5 of 1,613,958 alleles (0.00031%); highest among the groups gnomAD compares: Non-Finnish European, 0.00042%; no homozygotes.

Submission:

Labcorp Genetics (formerly Invitae), Labcorp
Classification: Uncertain significance. Last evaluated: 2023-07-07. Review status: criteria provided, single submitter. Criteria: Invitae Variant Classification Sherloc (09022015). Collection method: clinical testing. Allele origin: germline.
Comment: ClinVar contains an entry for this variant (Variation ID: 1471013). In summary, the available evidence is currently insufficient to determine the role of this variant in disease. Therefore, it has been classified as a Variant of Uncertain Significance. Advanced modeling of protein sequence and biophysical properties (such as structural, functional, and spatial information, amino acid conservation, physicochemical variation, residue mobility, and thermodynamic stability) performed at Invitae indicates that this missense variant is not expected to disrupt RBBP8 protein function. This variant has not been reported in the literature in individuals affected with RBBP8-related conditions. This variant is not present in population databases (gnomAD no frequency). This sequence change replaces alanine, which is neutral and non-polar, with threonine, which is neutral and polar, at codon 200 of the RBBP8 protein (p.Ala200Thr).